The following is an entry in ClinVar:

ClinVar aggregate classification (germline): Uncertain significance. Review status: criteria provided, multiple submitters, no conflicts (2 of 4 stars). 3 submissions from 3 submitters: Uncertain significance (3). Last evaluated 2024-04-12.

Conditions:
Acrocallosal syndrome (ACLS). Also called: Schinzel syndrome 1; Absence of corpus callosum with unusual facial appearance, mental deficiency, duplication of the halluces and polydactyly; HALLUX DUPLICATION, POSTAXIAL POLYDACTYLY, AND ABSENCE OF CORPUS CALLOSUM. Identifiers: Orphanet 36, MedGen C0796147, MONDO:0008708, OMIM 200990.
Multiple epiphyseal dysplasia, Al-Gazali type. Also called: Macrocephaly with multiple epiphyseal dysplasia and distinctive facies. Identifiers: Orphanet 166024, MedGen C1846722, MONDO:0011778, OMIM 607131.
Hydrolethalus syndrome 2 (HLS2). Identifiers: Orphanet 2189, MedGen C3279899, MONDO:0013585, OMIM 614120.

Allele frequency attached by ClinVar (database versions not stated): gnomAD exomes below 0.00001; gnomAD 0.00001.
gnomAD v4.1: 3 of 1,578,566 alleles (0.00019%); highest among the groups gnomAD compares: Admixed American, 0.0018%; no homozygotes.

Submissions (3):

Fulgent Genetics
Classification: Uncertain significance for Acrocallosal syndrome; Multiple epiphyseal dysplasia, Al-Gazali type; Hydrolethalus syndrome 2. Last evaluated: 2024-04-12. Review status: criteria provided, single submitter. Criteria: ACMG Guidelines, 2015. Collection method: clinical testing. Allele origin: germline.

Labcorp Genetics (formerly Invitae), Labcorp
Classification: Uncertain significance for Acrocallosal syndrome. Last evaluated: 2021-04-10. Review status: criteria provided, single submitter. Criteria: Invitae Variant Classification Sherloc (09022015). Collection method: clinical testing. Allele origin: germline.
Comment: In summary, the available evidence is currently insufficient to determine the role of this variant in disease. Therefore, it has been classified as a Variant of Uncertain Significance. Algorithms developed to predict the effect of missense changes on protein structure and function output the following: SIFT: "Tolerated"; PolyPhen-2: "Benign"; Align-GVGD: "Class C0". The valine amino acid residue is found in multiple mammalian species, suggesting that this missense change does not adversely affect protein function. These predictions have not been confirmed by published functional studies and their clinical significance is uncertain. This variant has not been reported in the literature in individuals with KIF7-related conditions. This variant is not present in population databases (ExAC no frequency). This sequence change replaces alanine with valine at codon 486 of the KIF7 protein (p.Ala486Val). The alanine residue is weakly conserved and there is a small physicochemical difference between alanine and valine.

Blueprint Genetics
Classification: Uncertain significance. Last evaluated: 2019-10-31. Review status: criteria provided, single submitter. Criteria: ACMG Guidelines, 2015. Collection method: clinical testing. Allele origin: germline.

NM_198525.3(KIF7):c.1457C>T (p.Ala486Val)

Gene: KIF7 (kinesin family member 7; minus strand). Cytogenetic location: 15q26.1.
Variant type: single nucleotide variant.
Coding change: c.1457C>T on transcript NM_198525.3 (MANE Select); coding-DNA position 1457, C replaced by T.
Protein change: p.Ala486Val; replaces alanine 486 with valine.
Molecular consequence: missense variant.
Genome position (GRCh38, 1-based): chr15:89,647,699, G>A on the plus strand (C>T on the coding strand, the complement: KIF7 is on the minus strand). VCF-style: chr15-89647699-G-A. GRCh37 (hg19) VCF-style: chr15-90190930-G-A.
Other names: short protein forms A486V.
Identifiers: ClinVar variation 1366424 (VCV001366424.10), dbSNP rs1305987882, ClinGen allele CA393768875.
Genomic context (GRCh38, chr15:89,647,699, plus strand): 5'-AAGTCTCGGTTCTCCTCCTCCAGCCGCGCCACCTGGTTCTGCAGGGTCAGCAGCTGCTGC[G>A]CCCCCTCATCCTCCTATAGGGCAGGGAGAGGGGCTTCAGGGGCGGGGGTTGACAGGGCGA-3'
Protein context (NP_940927.2, residues 476-496): GAGGRKEDEG[Ala486Val]QQLLTLQNQV